The following is an entry in ClinVar:

ClinVar aggregate classification (germline): Uncertain significance (1 of 4 stars; one submission).

Submission:

GeneDx
Classification: Uncertain significance. Last evaluated: 2014-04-16. Review status: criteria provided, single submitter. Criteria: GeneDx Variant Classification (06012015). Collection method: clinical testing. Allele origin: germline. Affected: yes.
Comment: The c.2495-7 T>A variant has not been published as a mutation, nor has it been reported as a benign polymorphism to our knowledge. In silico analysis predicts this variant reduces the quality of the natural splice acceptor site in intron 13, which may lead to abnormal gene splicing. However, in the absence of RNA/functional studies the actual effect of the c.2495-7 T>A sequence change is unknown. Therefore, based on the currently available information, it is unclear whether this variant is a pathogenic mutation or a rare benign variant. The variant is found in EPILEPSY panel(s).

NM_001330078.2(NRXN1):c.2375-7T>A

Gene: NRXN1 (neurexin 1; minus strand). Cytogenetic location: 2p16.3.
Variant type: single nucleotide variant.
Coding change: c.2375-7T>A on transcript NM_001330078.2 (MANE Select); 7 bases into the intron before coding-DNA position 2375, T replaced by A.
Molecular consequence: intron variant.
Genome position (GRCh38, 1-based): chr2:50,506,624, A>T on the plus strand (T>A on the coding strand, the complement: NRXN1 is on the minus strand). VCF-style: chr2-50506624-A-T. GRCh37 (hg19) VCF-style: chr2-50733762-A-T.
Other names: c.2264-7T>A (NM_001330096.2, NM_001330087.2); c.2309-7T>A (NM_001330083.2, NM_001330084.2); c.2294-7T>A (NM_001330088.2); c.2372-7T>A (NM_001330093.2); c.2363-7T>A (NM_001330094.2); c.2324-7T>A (NM_001330095.2); c.2351-7T>A (NM_001330082.2, NM_001330077.2); c.2348-7T>A (NM_001330085.2); and 2 more.
Identifiers: ClinVar variation 206241 (VCV000206241.2), dbSNP rs199673405, ClinGen allele CA316131.